The following is an entry in ClinVar:

ClinVar aggregate classification (germline): Likely pathogenic (1 of 4 stars; one submission).

Conditions:
Usher syndrome type 1 (USH1). Also called: RETINITIS PIGMENTOSA AND CONGENITAL DEAFNESS. Identifiers: Orphanet 231169, Orphanet 886, MedGen C1568247, MONDO:0010168, OMIM 276900.

Submission:

Natera, Inc.
Classification: Likely pathogenic for Usher syndrome type 1. Last evaluated: 2024-06-24. Review status: criteria provided, single submitter. Criteria: Natera Variant Classification Schema (03/2026). Collection method: clinical testing. Allele origin: germline.
Comment: The c.416dup variant in CDH23 is a frameshift variant predicted to shift the reading frame beginning at codon 140 and leads to a stop codon 4 codons downstream. This variant is expected to result in nonsense mediated decay, truncation, or a dysfunctional protein product. This variant is rare in the general population with a frequency below the threshold expected for the associated phenotype(s). Given the available evidence, this variant is classified as Likely Pathogenic.

NM_022124.6(CDH23):c.416dup (p.Arg140fs)

Genes: CDH23 (cadherin related 23; plus strand), CDH23-AS1 (CDH23 antisense RNA 1; minus strand). Cytogenetic location: 10q22.1.
Variant type: Duplication.
Coding change: c.416dup on transcript NM_022124.6 (MANE Select); coding-DNA position 416, one base duplicated (T; older notation c.416dupT).
Protein change: p.Arg140fs; shifts the reading frame from arginine 140.
Molecular consequence: frameshift variant.
Genome position (GRCh38, 1-based): chr10:71,511,199, T duplicated. VCF-style (leftmost placement, unchanged base first): chr10-71511198-G-GT. GRCh37 (hg19) VCF-style: chr10-73270955-G-GT.
Other names: c.416dup, p.Arg140fs (NM_001171930.2, NM_001171931.2, NM_001171932.2 and 1 more transcripts); short protein forms R140fs.
Identifiers: ClinVar variation 4816078 (VCV004816078.1).